The following is an entry in ClinVar:

ClinVar aggregate classification (germline): Pathogenic/Likely pathogenic. Review status: criteria provided, multiple submitters, no conflicts (2 of 4 stars). 4 submissions from 4 submitters: Pathogenic (2); Likely pathogenic (1). 1 of the submissions does not count toward it. Last evaluated 2026-08-01.

Conditions:
Glycogen storage disease, type IV (GSD4). Also called: Glycogen storage disease due to glycogen branching enzyme deficiency; AMYLOPECTINOSIS; ANDERSEN DISEASE; BRANCHER DEFICIENCY; CIRRHOSIS, FAMILIAL, WITH DEPOSITION OF ABNORMAL GLYCOGEN; GBE1 DEFICIENCY. Identifiers: Orphanet 367, MedGen C0017923, MONDO:0009292, OMIM 232500.
Glycogen storage disease IV, classic hepatic. Also called: GSD IV, CLASSIC HEPATIC. Identifiers: MedGen C1856301.

Allele frequency attached by ClinVar (database versions not stated): gnomAD exomes below 0.00001; ExAC 0.00001.

Submissions (4):

CeGaT Center for Human Genetics Tuebingen
Classification: Pathogenic. Last evaluated: 2026-08-01. Review status: criteria provided, single submitter. Criteria: CeGaT Center For Human Genetics Tuebingen Variant Classification Criteria Version 2. Collection method: clinical testing. Allele origin: germline. Affected: yes. Observed: 1 variant allele.
Comment: GBE1: PVS1, PM2

Broad Center for Mendelian Genomics, Broad Institute of MIT and Harvard
Classification: Likely pathogenic for Glycogen storage disease, type IV. Last evaluated: 2022-01-27. Review status: criteria provided, single submitter. Criteria: ACMG Guidelines, 2015. Collection method: curation. Allele origin: germline. Inheritance: Autosomal recessive inheritance.
Comment: The p.Lys521Ter variant in GBE1 has not been previously reported in the literature in individuals with GBE1-related disorders but has been identified in 0.006% (1/17630) of East Asian chromosomes by the Genome Aggregation Database (gnomAD; dbSNP ID: rs773775991). Although this variant has been seen in the general population in a heterozygous state, its frequency is low enough to be consistent with a recessive carrier frequency. This variant has also been reported in ClinVar (Variation ID#: 1076542) and has been interpreted as pathogenic by Invitae. This nonsense variant leads to a premature termination codon at position 521, which is predicted to lead to a truncated or absent protein. Loss of function of the GBE1 gene is an established disease mechanism in autosomal recessive GBE1-related disorders. In summary, although additional studies are required to fully establish its clinical significance, this variant is likely pathogenic for autosomal recessive GBE1-related disorders. ACMG/AMP Criteria applied: PVS1, PM2 (Richards 2015).

Labcorp Genetics (formerly Invitae), Labcorp
Classification: Pathogenic for Glycogen storage disease, type IV; Glycogen storage disease IV, classic hepatic. Last evaluated: 2020-02-29. Review status: criteria provided, single submitter. Criteria: Invitae Variant Classification Sherloc (09022015). Collection method: clinical testing. Allele origin: germline.
Comment: Loss-of-function variants in GBE1 are known to be pathogenic (PMID: 15452297, 20058079). For these reasons, this variant has been classified as Pathogenic. This variant has not been reported in the literature in individuals with GBE1-related conditions. This sequence change creates a premature translational stop signal (p.Lys521*) in the GBE1 gene. It is expected to result in an absent or disrupted protein product. This variant is present in population databases (rs773775991, ExAC 0.01%).

Center of Excellence for Medical Genomics, Chulalongkorn University
Classification: Pathogenic for Glycogen storage disease, type IV. Last evaluated: 2022-09-08. Review status: no assertion criteria provided. Criteria: ACMG Guidelines, 2015. Collection method: research. Allele origin: paternal. Affected: yes. Not counted in ClinVar's aggregate classification.

Literature cited by the submitters: PubMed 15452297 (cited by Labcorp Genetics (formerly Invitae), Labcorp); PubMed 20058079 (cited by Labcorp Genetics (formerly Invitae), Labcorp).

NM_000158.4(GBE1):c.1561A>T (p.Lys521Ter)

Gene: GBE1 (1,4-alpha-glucan branching enzyme 1; minus strand). Cytogenetic location: 3p12.2.
Variant type: single nucleotide variant.
Coding change: c.1561A>T on transcript NM_000158.4 (MANE Select); coding-DNA position 1561, A replaced by T.
Protein change: p.Lys521Ter; replaces lysine 521 with a stop codon.
Molecular consequence: nonsense.
Genome position (GRCh38, 1-based): chr3:81,577,982, T>A on the plus strand (A>T on the coding strand, the complement: GBE1 is on the minus strand). VCF-style: chr3-81577982-T-A. GRCh37 (hg19) VCF-style: chr3-81627133-T-A.
Other names: NM_000158.4(GBE1):c.1561A>T; p.Lys521Ter; short protein forms K521*.
Identifiers: ClinVar variation 1076542 (VCV001076542.16), dbSNP rs773775991, ClinGen allele CA2499627.
Genomic context (GRCh38, chr3:81,577,982, plus strand): 5'-TACCCATGAAATTGAGATAGCCTTCTCCACCAAGCCCATGCGTAATGAGTCGAATCATTT[T>A]ATGAAGCTGTATTCCACGATCAATAACTGGAGTAAAAGGAGTCAGGACACTCATGTTTGT-3'